The following is an entry in ClinVar:

ClinVar aggregate classification (germline): Uncertain significance (1 of 4 stars; one submission).

Conditions:
KBG syndrome (KBGS). Also called: ANKRD11-Related KBG Syndrome. Identifiers: Orphanet 2332, MedGen C0220687, MONDO:0007846, OMIM 148050.

Allele frequency attached by ClinVar (database versions not stated): gnomAD exomes 0.00001.
gnomAD v4.1: 3 of 1,613,568 alleles (0.00019%); highest among the groups gnomAD compares: Non-Finnish European, 0.00025%; no homozygotes.

Submission:

Labcorp Genetics (formerly Invitae), Labcorp
Classification: Uncertain significance for KBG syndrome. Last evaluated: 2022-06-03. Review status: criteria provided, single submitter. Criteria: Invitae Variant Classification Sherloc (09022015). Collection method: clinical testing. Allele origin: germline.
Comment: Advanced modeling of protein sequence and biophysical properties (such as structural, functional, and spatial information, amino acid conservation, physicochemical variation, residue mobility, and thermodynamic stability) performed at Invitae indicates that this missense variant is not expected to disrupt ANKRD11 protein function. In summary, the available evidence is currently insufficient to determine the role of this variant in disease. Therefore, it has been classified as a Variant of Uncertain Significance. This variant has not been reported in the literature in individuals affected with ANKRD11-related conditions. This variant is not present in population databases (gnomAD no frequency). This sequence change replaces proline, which is neutral and non-polar, with leucine, which is neutral and non-polar, at codon 1437 of the ANKRD11 protein (p.Pro1437Leu).

NM_013275.6(ANKRD11):c.4310C>T (p.Pro1437Leu)

Gene: ANKRD11 (ankyrin repeat domain 11; minus strand). Cytogenetic location: 16q24.3.
Variant type: single nucleotide variant.
Coding change: c.4310C>T on transcript NM_013275.6 (MANE Select); coding-DNA position 4310, C replaced by T.
Protein change: p.Pro1437Leu; replaces proline 1437 with leucine.
Molecular consequence: missense variant.
Genome position (GRCh38, 1-based): chr16:89,282,232, G>A on the plus strand (C>T on the coding strand, the complement: ANKRD11 is on the minus strand). VCF-style: chr16-89282232-G-A. GRCh37 (hg19) VCF-style: chr16-89348640-G-A.
Other names: c.4310C>T, p.Pro1437Leu (NM_001256182.2, NM_001256183.2); short protein forms P1437L.
Identifiers: ClinVar variation 2095385 (VCV002095385.4), dbSNP rs1567569519, ClinGen allele CA397157850.